The following is an entry in ClinVar:

ClinVar aggregate classification (germline): Likely pathogenic (1 of 4 stars; one submission).

Conditions:
BRAT1-related neurodevelopmental disorder.

Allele frequency attached by ClinVar (database versions not stated): ExAC 0.00001; gnomAD 0.00001; TOPMed 0.00001.

Submission:

Victorian Clinical Genetics Services, Murdoch Childrens Research Institute
Classification: Likely pathogenic for BRAT1-related neurodevelopmental disorder. Last evaluated: 2022-11-04. Review status: criteria provided, single submitter. Criteria: ACMG Guidelines, 2015. Collection method: clinical testing. Allele origin: paternal. Affected: yes.
Comment: This variant is classified as Likely Pathogenic. Evidence in support of pathogenic classification: - Variant is predicted to result in a truncated protein (premature termination codon is NOT located at least 54 nucleotides upstream of the final exon-exon junction) with less than 1/3 of the protein This variant is classified as Likely Pathogenic. Evidence in support of pathogenic classification: - Variant is predicted to result in a truncated protein (premature termination codon is NOT located at least 54 nucleotides upstream of the final exon-exon junction) with less than 1/3 of the protein sequence affected. - Variant is present in gnomAD (v2) <0.01 for a recessive condition (1 heterozygote, 0 homozygotes). - Other variants comparable to the one identified in this case have strong previous evidence for pathogenicity. Other downstream truncating variants have previously been reported as pathogenic in a small number of families, however some have also been classified as VUS ( ClinVar, PMIDs: 27480663, 31868227, 32345087). Additional information: - Loss of function is a known mechanism of disease in this gene and is associated with BRAT1-related neurodevelopmental disorder. - This gene is associated with autosomal recessive disease. - This variant is heterozygous. - Variant is located in the annotated heat repeat motif (NCBI). - This variant has no previous evidence of pathogenicity. - No published segregation evidence has been identified for this variant. - No published functional evidence has been identified for this variant.

NM_152743.4(BRAT1):c.1930C>T (p.Arg644Ter)

Gene: BRAT1 (BRCA1 associated ATM activator 1; minus strand). Cytogenetic location: 7p22.3.
Variant type: single nucleotide variant.
Coding change: c.1930C>T on transcript NM_152743.4 (MANE Select); coding-DNA position 1930, C replaced by T.
Protein change: p.Arg644Ter; replaces arginine 644 with a stop codon.
Molecular consequence: nonsense. On other transcripts: non-coding transcript variant (1).
Genome position (GRCh38, 1-based): chr7:2,538,605, G>A on the plus strand (C>T on the coding strand, the complement: BRAT1 is on the minus strand). VCF-style: chr7-2538605-G-A. GRCh37 (hg19) VCF-style: chr7-2578239-G-A.
Other names: c.2110C>T, p.Arg704Ter (NM_001350626.2); c.1405C>T, p.Arg469Ter (NM_001350627.2); c.1930C>T (NM_152743.3); short protein forms R469*, R644*, R704*.
Identifiers: ClinVar variation 2500776 (VCV002500776.1), dbSNP rs754828716, ClinGen allele CA4127512.